The following is an entry in ClinVar:

ClinVar aggregate classification (germline): Benign. Review status: criteria provided, single submitter (1 of 4 stars). 2 submissions from 2 submitters: Benign (1). 1 of the submissions does not count toward it. Last evaluated 2026-06-01.

Conditions:
Delayed puberty, self-limited. Also called: CONSTITUTIONAL DELAY OF PUBERTY. Identifiers: MedGen C2874202, MONDO:0859205, OMIM 619613.

Allele frequency attached by ClinVar (database versions not stated): ESP Exome Variant Server 0.00654; TOPMed 0.00690; gnomAD 0.00713 and 0.00859; gnomAD exomes 0.01094 and 0.01346; 1000 Genomes Project 30x 0.01359; 1000 Genomes Project 0.01438; ExAC 0.01440.
gnomAD v4.1: 17,111 of 1,591,468 alleles (1.1%); highest among the groups gnomAD compares: South Asian, 4.8%; 212 homozygotes.

Submissions (2):

CeGaT Center for Human Genetics Tuebingen
Classification: Benign. Last evaluated: 2026-06-01. Review status: criteria provided, single submitter. Criteria: CeGaT Center For Human Genetics Tuebingen Variant Classification Criteria Version 2. Collection method: clinical testing. Allele origin: germline. Affected: yes. Observed: 7 variant alleles.
Comment: LGR4: BS1, BS2

OMIM
Classification: Pathogenic for DELAYED PUBERTY, SELF-LIMITED. Last evaluated: 2021-11-11. Review status: no assertion criteria provided. Collection method: literature only. Allele origin: germline. Not counted in ClinVar's aggregate classification.

Literature cited by the submitters: PubMed 32493844 (cited by OMIM).

NM_018490.5(LGR4):c.1087G>T (p.Gly363Cys)

Gene: LGR4 (leucine rich repeat containing G protein-coupled receptor 4; minus strand). Cytogenetic location: 11p14.1.
Variant type: single nucleotide variant.
Coding change: c.1087G>T on transcript NM_018490.5 (MANE Select); coding-DNA position 1087, G replaced by T.
Protein change: p.Gly363Cys; replaces glycine 363 with cysteine.
Molecular consequence: missense variant.
Genome position (GRCh38, 1-based): chr11:27,377,180, C>A on the plus strand (G>T on the coding strand, the complement: LGR4 is on the minus strand). VCF-style: chr11-27377180-C-A. GRCh37 (hg19) VCF-style: chr11-27398727-C-A.
Other names: LGR4, GLY363CYS (rs117543292); c.1015G>T, p.Gly339Cys (NM_001346432.2); short protein forms G363C, G339C.
Identifiers: ClinVar variation 1321209 (VCV001321209.24), dbSNP rs117543292, ClinGen allele CA5928511.